The following is an entry in ClinVar:

NM_001122769.3(LCA5):c.1424A>G (p.Asp475Gly)

Gene: LCA5 (lebercilin LCA5; minus strand). Cytogenetic location: 6q14.1.
Variant type: single nucleotide variant.
Coding change: c.1424A>G on transcript NM_001122769.3 (MANE Select); coding-DNA position 1424, A replaced by G.
Protein change: p.Asp475Gly; replaces aspartic acid 475 with glycine.
Molecular consequence: missense variant.
Genome position (GRCh38, 1-based): chr6:79,487,674, T>C on the plus strand (A>G on the coding strand, the complement: LCA5 is on the minus strand). VCF-style: chr6-79487674-T-C. GRCh37 (hg19) VCF-style: chr6-80197391-T-C.
Other names: c.1424A>G, p.Asp475Gly (NM_181714.4); short protein forms D475G.
Identifiers: ClinVar variation 964665 (VCV000964665.6), dbSNP rs145058393, ClinGen allele CA3900830.

ClinVar aggregate classification (germline): Uncertain significance. Review status: criteria provided, multiple submitters, no conflicts (2 of 4 stars). 3 submissions from 3 submitters: Uncertain significance (2). 1 of the submissions does not count toward it. Last evaluated 2024-10-03.

Conditions:
Inborn genetic diseases. Identifiers: MedGen C0950123, MeSH D030342.
Leber congenital amaurosis 5 (LCA5). Also called: Amaurosis congenita of Leber, type 5. Identifiers: Orphanet 65, MedGen C1858301, MONDO:0011473, OMIM 604537.

Allele frequency attached by ClinVar (database versions not stated): gnomAD exomes 0.00001 and 0.00004; ExAC 0.00002; gnomAD 0.00009 and 0.00010; TOPMed 0.00011; ESP Exome Variant Server 0.00031.
gnomAD v4.1: 24 of 1,613,856 alleles (0.0015%); highest among the groups gnomAD compares: African/African-American, 0.025%; no homozygotes.

Submissions (3):

Ambry Genetics
Classification: Uncertain significance for Inborn genetic diseases. Last evaluated: 2024-10-03. Review status: criteria provided, single submitter. Criteria: Ambry Variant Classification Scheme 2023. Collection method: clinical testing. Allele origin: germline.

Labcorp Genetics (formerly Invitae), Labcorp
Classification: Uncertain significance. Last evaluated: 2022-06-20. Review status: criteria provided, single submitter. Criteria: Invitae Variant Classification Sherloc (09022015). Collection method: clinical testing. Allele origin: germline.
Comment: This sequence change replaces aspartic acid, which is acidic and polar, with glycine, which is neutral and non-polar, at codon 475 of the LCA5 protein (p.Asp475Gly). This variant is present in population databases (rs145058393, gnomAD 0.03%). This variant has not been reported in the literature in individuals affected with LCA5-related conditions. ClinVar contains an entry for this variant (Variation ID: 964665). Algorithms developed to predict the effect of missense changes on protein structure and function are either unavailable or do not agree on the potential impact of this missense change (SIFT: "Tolerated"; PolyPhen-2: "Possibly Damaging"; Align-GVGD: "Class C0"). In summary, the available evidence is currently insufficient to determine the role of this variant in disease. Therefore, it has been classified as a Variant of Uncertain Significance.

Natera, Inc.
Classification: Uncertain significance for Leber congenital amaurosis type 5. Last evaluated: 2020-02-18. Review status: no assertion criteria provided. Collection method: clinical testing. Allele origin: germline. Not counted in ClinVar's aggregate classification.